The following is an entry in ClinVar:

NM_003334.4(UBA1):c.1353T>C (p.Tyr451=)

Gene: UBA1 (ubiquitin like modifier activating enzyme 1; plus strand). Cytogenetic location: Xp11.3.
Variant type: single nucleotide variant.
Coding change: c.1353T>C on transcript NM_003334.4 (MANE Select); coding-DNA position 1353, T replaced by C.
Protein change: p.Tyr451=; no amino-acid change (tyrosine 451 retained).
Molecular consequence: synonymous variant.
Genome position (GRCh38, 1-based): chrX:47,203,148, T>C. VCF-style: chrX-47203148-T-C. GRCh37 (hg19) VCF-style: chrX-47062547-T-C.
Other names: c.1353T>C, p.Tyr451= (NM_153280.3).
Identifiers: ClinVar variation 509680 (VCV000509680.12), dbSNP rs1488418187, ClinGen allele CA516351332.
Genomic context (GRCh38, chrX:47,203,148, plus strand): 5'-ATTTCTGGGGAGGCCTCTCTAACCCTCCTCCCTTTGCATTCCTTAGCGCCAGAACCGTTA[T>C]GACGGGCAAGTGGCTGTGTTTGGCTCAGACCTGCAAGAGAAGCTGGGCAAGCAGAAGTAT-3'
Protein context (NP_003325.2, residues 441-461): EDKCLQRQNR[Tyr451=]DGQVAVFGSD

ClinVar aggregate classification (germline): Likely benign. Review status: criteria provided, multiple submitters, no conflicts (2 of 4 stars). 4 submissions from 4 submitters: Likely benign (3). 1 of the submissions does not count toward it. Last evaluated 2024-07-11.

Conditions:
UBA1-related disorder. Also called: UBA1-related condition.
Inborn genetic diseases. Identifiers: MedGen C0950123, MeSH D030342.
Infantile-onset X-linked spinal muscular atrophy. Also called: AMC, DISTAL, X-LINKED; ARTHROGRYPOSIS, X-LINKED, TYPE I; Spinal muscular atrophy, X-linked 2; Spinal Muscular Atrophy, X-Linked Infantile; SPINAL MUSCULAR ATROPHY, X-LINKED LETHAL INFANTILE. Identifiers: Orphanet 1145, MedGen C1844934, MONDO:0010532, OMIM 301830.

Allele frequency attached by ClinVar (database versions not stated): gnomAD exomes 0.00001; gnomAD 0.00002 and 0.00001; TOPMed 0.00005.
gnomAD v4.1: 10 of 1,210,314 alleles (0.00083%); highest among the groups gnomAD compares: African/African-American, 0.01%; no homozygotes.

Submissions (4):

Labcorp Genetics (formerly Invitae), Labcorp
Classification: Likely benign for Infantile-onset X-linked spinal muscular atrophy. Last evaluated: 2024-07-11. Review status: criteria provided, single submitter. Criteria: Invitae Variant Classification Sherloc (09022015). Collection method: clinical testing. Allele origin: germline.

Ambry Genetics
Classification: Likely benign for Inborn genetic diseases. Last evaluated: 2019-07-11. Review status: criteria provided, single submitter. Criteria: Ambry Variant Classification Scheme 2023. Collection method: clinical testing. Allele origin: germline.

GeneDx
Classification: Likely benign. Last evaluated: 2017-05-22. Review status: criteria provided, single submitter. Criteria: GeneDx Variant Classification (06012015). Collection method: clinical testing. Allele origin: germline. Affected: yes.
Comment: This variant is considered likely benign or benign based on one or more of the following criteria: it is a conservative change, it occurs at a poorly conserved position in the protein, it is predicted to be benign by multiple in silico algorithms, and/or has population frequency not consistent with disease.

PreventionGenetics, part of Exact Sciences
Classification: Likely benign for UBA1-related condition. Last evaluated: 2023-08-23. Review status: no assertion criteria provided. Collection method: clinical testing. Allele origin: germline. Not counted in ClinVar's aggregate classification.
Comment: This variant is classified as likely benign based on ACMG/AMP sequence variant interpretation guidelines (Richards et al. 2015 PMID: 25741868, with internal and published modifications).